The following is an entry in ClinVar:

NM_206933.4(USH2A):c.8372T>C (p.Val2791Ala)

Gene: USH2A (usherin; minus strand). Cytogenetic location: 1q41.
Variant type: single nucleotide variant.
Coding change: c.8372T>C on transcript NM_206933.4 (MANE Select); coding-DNA position 8372, T replaced by C.
Protein change: p.Val2791Ala; replaces valine 2791 with alanine.
Molecular consequence: missense variant.
Genome position (GRCh38, 1-based): chr1:215,878,950, A>G on the plus strand (T>C on the coding strand, the complement: USH2A is on the minus strand). VCF-style: chr1-215878950-A-G. GRCh37 (hg19) VCF-style: chr1-216052292-A-G.
Other names: short protein forms V2791A.
Identifiers: ClinVar variation 2169493 (VCV002169493.3), dbSNP rs375811539, ClinGen allele CA1394621.
Genomic context (GRCh38, chr1:215,878,950, plus strand): 5'-GGTAAACTCTCTGTGCACCCTCCAAGGTACCCATTACCCCCTGAGCAAGCAACAATGGTG[A>G]CAGAATAATTAGTGAAAGGAATCAGATGAGTAACTTTTTGACTTAACACTGCGGAAGTCA-3'
Protein context (NP_996816.3, residues 2781-2801): THLIPFTNYS[Val2791Ala]TIVACSGGNG

ClinVar aggregate classification (germline): Uncertain significance. Review status: criteria provided, multiple submitters, no conflicts (2 of 4 stars). 2 submissions from 2 submitters: Uncertain significance (2). Last evaluated 2025-05-05.

Allele frequency attached by ClinVar (database versions not stated): ExAC 0.00001; gnomAD exomes 0.00002; gnomAD 0.00003; TOPMed 0.00003; ESP Exome Variant Server 0.00008.
gnomAD v4.1: 35 of 1,613,968 alleles (0.0022%); highest among the groups gnomAD compares: South Asian, 0.0077%; no homozygotes.

Submissions (2):

Labcorp Genetics (formerly Invitae), Labcorp
Classification: Uncertain significance. Last evaluated: 2025-05-05. Review status: criteria provided, single submitter. Criteria: Invitae Variant Classification Sherloc (09022015). Collection method: clinical testing. Allele origin: germline.
Comment: This sequence change replaces valine, which is neutral and non-polar, with alanine, which is neutral and non-polar, at codon 2791 of the USH2A protein (p.Val2791Ala). This variant is present in population databases (rs375811539, gnomAD 0.006%). This missense change has been observed in individual(s) with Usher syndrome (PMID: 29625443). ClinVar contains an entry for this variant (Variation ID: 2169493). Invitae Evidence Modeling of protein sequence and biophysical properties (such as structural, functional, and spatial information, amino acid conservation, physicochemical variation, residue mobility, and thermodynamic stability) has been performed for this missense variant. However, the output from this modeling did not meet the statistical confidence thresholds required to predict the impact of this variant on USH2A protein function. In summary, the available evidence is currently insufficient to determine the role of this variant in disease. Therefore, it has been classified as a Variant of Uncertain Significance.

Blueprint Genetics
Classification: Uncertain significance. Last evaluated: 2024-03-16. Review status: criteria provided, single submitter. Criteria: ACMG Guidelines, 2015. Collection method: clinical testing. Allele origin: germline.

Literature cited by the submitters: PubMed 29625443 (cited by Labcorp Genetics (formerly Invitae), Labcorp).